The following is an entry in ClinVar:

ClinVar aggregate classification (germline): Likely benign (0 of 4 stars; one submission).

Conditions:
ARID1B-Related Disorder. Identifiers: MedGen CN381337.

Allele frequency attached by ClinVar (database versions not stated): gnomAD exomes below 0.00001.
gnomAD v4.1: 6 of 1,131,632 alleles (0.00053%); highest among the groups gnomAD compares: Non-Finnish European, 0.00054%; no homozygotes.

Submission:

PreventionGenetics, part of Exact Sciences
Classification: Likely benign for ARID1B-related condition. Last evaluated: 2020-04-08. Review status: no assertion criteria provided. Collection method: clinical testing. Allele origin: germline.
Comment: This variant is classified as likely benign based on ACMG/AMP sequence variant interpretation guidelines (Richards et al. 2015 PMID: 25741868, with internal and published modifications).

NM_001374828.1(ARID1B):c.1590G>C (p.Pro530=)

Gene: ARID1B (AT-rich interaction domain 1B; plus strand). Cytogenetic location: 6q25.3.
Variant type: single nucleotide variant.
Coding change: c.1590G>C on transcript NM_001374828.1 (MANE Select); coding-DNA position 1590, G replaced by C.
Protein change: p.Pro530=; no amino-acid change (proline 530 retained).
Molecular consequence: synonymous variant.
Genome position (GRCh38, 1-based): chr6:156,779,270, G>C. VCF-style: chr6-156779270-G-C. GRCh37 (hg19) VCF-style: chr6-157100404-G-C.
Other names: c.1341G>C, p.Pro447= (NM_001346813.1, NM_020732.3); c.1590G>C, p.Pro530= (NM_001371656.1, NM_001374820.1, NM_017519.3); c.1167G>C, p.Pro389= (NM_175863.2).
Identifiers: ClinVar variation 3041318 (VCV003041318.2), dbSNP rs1405399488, ClinGen allele CA452989645.